The following is an entry in ClinVar:

NM_000207.3(INS):c.302C>A (p.Ser101Tyr)

Genes: INS (insulin; minus strand), INS-IGF2 (INS-IGF2 readthrough; minus strand). Cytogenetic location: 11p15.5.
Variant type: single nucleotide variant.
Coding change: c.302C>A on transcript NM_000207.3 (MANE Select); coding-DNA position 302, C replaced by A.
Protein change: p.Ser101Tyr; replaces serine 101 with tyrosine.
Molecular consequence: missense variant. On other transcripts: intron variant (1).
Genome position (GRCh38, 1-based): chr11:2,159,883, G>T on the plus strand (C>A on the coding strand, the complement: INS is on the minus strand). VCF-style: chr11-2159883-G-T. GRCh37 (hg19) VCF-style: chr11-2181113-G-T.
Other names: c.302C>A, p.Ser101Tyr (NM_001185097.2, NM_001185098.2, NM_001291897.2); c.187+902C>A (NM_001042376.3); short protein forms S101Y.
Identifiers: ClinVar variation 4531136 (VCV004531136.1).

ClinVar aggregate classification (germline): Uncertain significance (1 of 4 stars; one submission).

Submission:

GeneDx
Classification: Uncertain significance. Last evaluated: 2025-05-21. Review status: criteria provided, single submitter. Criteria: GeneDx Variant Classification Process June 2021. Collection method: clinical testing. Allele origin: germline. Affected: yes.
Comment: Not observed at significant frequency in large population cohorts (gnomAD); In silico analysis supports that this missense variant has a deleterious effect on protein structure/function; Has not been previously published as pathogenic or benign to our knowledge